The following is an entry in ClinVar:

NM_000168.6(GLI3):c.4146del (p.Tyr1383fs)

Gene: GLI3 (GLI family zinc finger 3; minus strand). Cytogenetic location: 7p14.1.
Variant type: Deletion.
Coding change: c.4146del on transcript NM_000168.6 (MANE Select); coding-DNA position 4146, one base deleted (C; older notation c.4146delC).
Protein change: p.Tyr1383fs; shifts the reading frame from tyrosine 1383.
Molecular consequence: frameshift variant.
Genome position (GRCh38, 1-based): chr7:41,964,927, G deleted on the plus strand (C on the coding strand, the reverse complement: GLI3 is on the minus strand). VCF-style (leftmost placement, unchanged base first): chr7-41964926-AG-A. GRCh37 (hg19) VCF-style: chr7-42004524-AG-A.
Other names: short protein forms Y1383fs.
Identifiers: ClinVar variation 5022436 (VCV005022436.1).

ClinVar aggregate classification (germline): Pathogenic (1 of 4 stars; one submission).

Conditions:
Inborn genetic diseases. Identifiers: MedGen C0950123, MeSH D030342.

Submission:

Ambry Genetics
Classification: Pathogenic for Inborn genetic diseases. Last evaluated: 2026-06-26. Review status: criteria provided, single submitter. Criteria: Ambry Variant Classification Scheme 2023. Collection method: clinical testing. Allele origin: germline.
Comment: The c.4146delC (p.Y1383Tfs*36) alteration, located in exon 15 (coding exon 14) of the GLI3 gene, consists of a deletion of one nucleotide at position 4146, causing a translational frameshift with a predicted alternate stop codon after 36 amino acids. This variant is not expected to trigger nonsense-mediated mRNA decay, and impacts the last 12.5% of the protein. However, premature stop codons are typically deleterious in nature, the impacted region is critical for protein function. and a significant portion of the protein is affected (Ambry internal data). for Greig cephalopolysyndactyly syndrome; however, its clinical significance for Pallister-Hall syndrome is uncertain. This variant was not reported in population-based cohorts in the Genome Aggregation Database (gnomAD). Based on the available evidence, this alteration is classified as pathogenic.